The following is an entry in ClinVar:

NM_000551.4(VHL):c.493G>A (p.Val165Ile)

Genes: VHL (von Hippel-Lindau tumor suppressor; plus strand), LOC107303340 (3p25 von Hippel-Lindau tumor suppressor, E3 ubiquitin protein ligase Alu-mediated recombination region; plus strand). Cytogenetic location: 3p25.3.
Variant type: single nucleotide variant.
Coding change: c.493G>A on transcript NM_000551.4 (MANE Select); coding-DNA position 493, G replaced by A.
Protein change: p.Val165Ile; replaces valine 165 with isoleucine.
Molecular consequence: missense variant. On other transcripts: 3 prime UTR variant (1), non-coding transcript variant (1).
Genome position (GRCh38, 1-based): chr3:10,149,816, G>A. VCF-style: chr3-10149816-G-A. GRCh37 (hg19) VCF-style: chr3-10191500-G-A.
Other names: c.*47G>A (NM_001354723.2); c.370G>A, p.Val124Ile (NM_198156.3); short protein forms V124I, V165I.
Identifiers: ClinVar variation 2624782 (VCV002624782.6), dbSNP rs1575932103, ClinGen allele CA351756159.

ClinVar aggregate classification (germline): Conflicting classifications of pathogenicity. Review status: criteria provided, conflicting classifications (1 of 4 stars). 3 submissions from 3 submitters: Uncertain significance (2); Likely benign (1). Last evaluated 2026-03-19.

Conditions:
Hereditary cancer-predisposing syndrome. Also called: Neoplastic Syndromes, Hereditary; Tumor predisposition; Hereditary Cancer Syndrome; Hereditary neoplastic syndrome. Identifiers: Orphanet 140162, MedGen C0027672, MeSH D009386, MONDO:0015356.
Von Hippel-Lindau syndrome (VHLS). Also called: von Hippel–Lindau syndrome; VHL syndrome; Von Hippel-Lindau. Identifiers: Orphanet 892, MedGen C0019562, MONDO:0008667, OMIM 193300. Disease mechanism: loss of function.
Chuvash polycythemia. Also called: POLYCYTHEMIA, VHL-DEPENDENT. Identifiers: Orphanet 238557, MedGen C1837915, MONDO:0009892, OMIM 263400.

Submissions (3):

Ambry Genetics
Classification: Likely benign for Hereditary cancer-predisposing syndrome. Last evaluated: 2026-03-19. Review status: criteria provided, single submitter. Criteria: Ambry Variant Classification Scheme 2023. Collection method: clinical testing. Allele origin: germline.

All of Us Research Program, National Institutes of Health
Classification: Uncertain significance for Von Hippel-Lindau syndrome. Last evaluated: 2024-03-24. Review status: criteria provided, single submitter. Criteria: ACMG Guidelines, 2015. Collection method: clinical testing. Allele origin: germline. Inheritance: Autosomal dominant inheritance. Observed: 1 variant allele, 1 heterozygote.
Comment: This missense variant replaces valine with isoleucine at codon 165 of the VHL protein. Computational prediction is inconclusive regarding the impact of this variant on protein structure and function. To our knowledge, functional studies have not been reported for this variant. This variant has not been reported in individuals affected with VHL-related disorders in the literature. This variant has not been identified in the general population by the Genome Aggregation Database (gnomAD). The available evidence is insufficient to determine the role of this variant in disease conclusively. Therefore, this variant is classified as a Variant of Uncertain Significance.

This study involves interpretation of variants in research participants for the purpose of population health screening. Participant phenotype was not available at the time of variant classification. Additional details can be found in publication PMID: 35346344, PMCID: PMC8962531

Labcorp Genetics (formerly Invitae), Labcorp
Classification: Uncertain significance for Von Hippel-Lindau syndrome; Chuvash polycythemia. Last evaluated: 2023-04-17. Review status: criteria provided, single submitter. Criteria: Invitae Variant Classification Sherloc (09022015). Collection method: clinical testing. Allele origin: germline.
Comment: In summary, the available evidence is currently insufficient to determine the role of this variant in disease. Therefore, it has been classified as a Variant of Uncertain Significance. Advanced modeling of protein sequence and biophysical properties (such as structural, functional, and spatial information, amino acid conservation, physicochemical variation, residue mobility, and thermodynamic stability) performed at Invitae indicates that this missense variant is expected to disrupt VHL protein function. This variant has not been reported in the literature in individuals affected with VHL-related conditions. This variant is not present in population databases (gnomAD no frequency). This sequence change replaces valine, which is neutral and non-polar, with isoleucine, which is neutral and non-polar, at codon 165 of the VHL protein (p.Val165Ile).

Literature cited by the submitters: PubMed 38969834 (cited by Ambry Genetics).